The following is an entry in ClinVar:

ClinVar aggregate classification (germline): Conflicting classifications of pathogenicity. Review status: criteria provided, conflicting classifications (1 of 4 stars). 5 submissions from 5 submitters: Likely pathogenic (1); Uncertain significance (4). Last evaluated 2024-06-21.

Conditions:
Nephronophthisis. Also called: Juvenile Nephronophthisis. Identifiers: Orphanet 655, MedGen C0687120, MONDO:0019005, HP:0000090.
NPHP3-related Meckel-like syndrome. Also called: GOLDSTON SYNDROME; Meckel syndrome type 7. Identifiers: Orphanet 3032, MedGen C2673885, MONDO:0009966, OMIM 267010.
Renal-hepatic-pancreatic dysplasia 1 (RHPD1). Identifiers: MedGen C3715199, MONDO:0008833, OMIM 208540.
Nephronophthisis 3 (NPHP3). Also called: Adolescent nephronophthisis. Identifiers: Orphanet 655, MedGen C1858392, MONDO:0011456, OMIM 604387.

Submissions (5):

Fulgent Genetics
Classification: Uncertain significance for Renal-hepatic-pancreatic dysplasia 1; NPHP3-related Meckel-like syndrome; Nephronophthisis 3. Last evaluated: 2024-06-21. Review status: criteria provided, single submitter. Criteria: ACMG Guidelines, 2015. Collection method: clinical testing. Allele origin: germline.

CeGaT Center for Human Genetics Tuebingen
Classification: Uncertain significance. Last evaluated: 2024-01-01. Review status: criteria provided, single submitter. Criteria: CeGaT Center For Human Genetics Tuebingen Variant Classification Criteria Version 2. Collection method: clinical testing. Allele origin: germline. Affected: yes. Observed: 1 variant allele.
Comment: NPHP3: PM2, PM3:Supporting, PM4:Supporting

Labcorp Genetics (formerly Invitae), Labcorp
Classification: Uncertain significance for Nephronophthisis. Last evaluated: 2021-08-20. Review status: criteria provided, single submitter. Criteria: Invitae Variant Classification Sherloc (09022015). Collection method: clinical testing. Allele origin: germline.

Molecular Biology Laboratory, Fundació Puigvert
Classification: Likely pathogenic for Nephronophthisis 3. Last evaluated: 2020-02-01. Review status: criteria provided, single submitter. Criteria: ACMG Guidelines, 2015. Collection method: research. Allele origin: maternal. Affected: yes. Study: KidneyPanel_2020.

Juno Genomics, Hangzhou Juno Genomics, Inc
Classification: Uncertain significance for NPHP3-related Meckel-like syndrome; Nephronophthisis 3; Renal-hepatic-pancreatic dysplasia 1. Review status: criteria provided, single submitter. Criteria: ACMG Guidelines, 2015. Collection method: clinical testing. Allele origin: germline.
Comment: Absent from controls (or at extremely low frequency if recessive) in Genome Aggregation Database.;Protein length changes due to in-frame deletions/insertions in a non-repeat region or stop-loss variants.

Literature cited by the submitters: PubMed 33532864 (cited by Molecular Biology Laboratory, Fundació Puigvert).

NM_153240.5(NPHP3):c.326TGT[1] (p.Leu110del)

Genes: NPHP3-ACAD11 (NPHP3-ACAD11 readthrough (NMD candidate); minus strand), NPHP3-AS1 (NPHP3 antisense RNA 1; plus strand), NPHP3 (nephrocystin 3; minus strand). Cytogenetic location: 3q22.1.
Variant type: Microsatellite.
Coding change: c.326TGT[1] on transcript NM_153240.5 (MANE Select); one copy of the 3-base unit TGT starting at c.326; the reference has two copies in a row; one copy, 3 bases deleted; also written c.329_331del.
Protein change: p.Leu110del; deletes leucine 110.
Molecular consequence: inframe deletion. On other transcripts: non-coding transcript variant (3).
Genome position (GRCh38, 1-based): chr3:132,722,025-132,722,027, ACA deleted on the plus strand (TGT on the coding strand, the reverse complement: NPHP3 is on the minus strand); deleting any 3 consecutive bases within chr3:132,722,025-132,722,032 gives the same sequence; the position shown is the placement nearest the transcript's 3' end. VCF-style (leftmost placement, unchanged base first): chr3-132722024-GACA-G. GRCh37 (hg19) VCF-style: chr3-132440868-GACA-G.
Other names: c.329_331del (NM_153240.5); short protein forms L110del.
Identifiers: ClinVar variation 568513 (VCV000568513.28), dbSNP rs753616848, ClinGen allele CA2622657.
Genomic context (GRCh38, chr3:132,722,024, plus strand): 5'-TGCAGTTCGGCCCGCAGCCGCTTGTTCTCCGTGTCCAGCTTGGCCTCGCGGCGGCCCATG[GACA>G]ACAACTCCTGGTTCTTGCTGACGCGAAAGATCTCGTACTCCTTCCTGAGCCGCTCGTACT-3'